The following is an entry in ClinVar:

ClinVar aggregate classification (germline): Likely benign. Review status: criteria provided, multiple submitters, no conflicts (2 of 4 stars). 3 submissions from 3 submitters: Likely benign (3). Last evaluated 2025-12-02.

Conditions:
Malignant hyperthermia, susceptibility to, 5 (MHS5). Also called: CACNA1S-Related Malignant Hyperthermia Susceptibility. Identifiers: Orphanet 423, MedGen C1866077, MONDO:0011163, OMIM 601887.
Hypokalemic periodic paralysis, type 1. Also called: Hypokalemic Periodic Paralysis Type 1 (AD); HypoPP. Identifiers: Orphanet 681, MedGen C3714580, MONDO:0042979, OMIM 170400.

Allele frequency attached by ClinVar (database versions not stated): gnomAD exomes below 0.00001 and 0.00001; ESP Exome Variant Server 0.00008; TOPMed 0.00008; gnomAD 0.00010 and 0.00011.

Submissions (3):

Labcorp Genetics (formerly Invitae), Labcorp
Classification: Likely benign for Hypokalemic periodic paralysis, type 1; Malignant hyperthermia, susceptibility to, 5. Last evaluated: 2025-12-02. Review status: criteria provided, single submitter. Criteria: Invitae Variant Classification Sherloc (09022015). Collection method: clinical testing. Allele origin: germline.

All of Us Research Program, National Institutes of Health
Classification: Likely benign for Malignant hyperthermia, susceptibility to, 5. Last evaluated: 2023-12-01. Review status: criteria provided, single submitter. Criteria: ACMG Guidelines, 2015. Collection method: clinical testing. Allele origin: germline. Inheritance: Autosomal dominant inheritance. Observed: 11 variant alleles, 11 heterozygotes.
Comment: This study involves interpretation of variants in research participants for the purpose of population health screening. Participant phenotype was not available at the time of variant classification. Additional details can be found in publication PMID: 35346344, PMCID: PMC8962531

Color Diagnostics, LLC DBA Color Health
Classification: Likely benign for Malignant hyperthermia, susceptibility to, 5. Last evaluated: 2022-11-06. Review status: criteria provided, single submitter. Criteria: ACMG Guidelines, 2015. Collection method: clinical testing. Allele origin: germline.

NM_000069.3(CACNA1S):c.1818C>T (p.Ser606=)

Gene: CACNA1S (calcium voltage-gated channel subunit alpha1 S; minus strand). Cytogenetic location: 1q32.1.
Variant type: single nucleotide variant.
Coding change: c.1818C>T on transcript NM_000069.3 (MANE Select); coding-DNA position 1818, C replaced by T.
Protein change: p.Ser606=; no amino-acid change (serine 606 retained).
Molecular consequence: synonymous variant.
Genome position (GRCh38, 1-based): chr1:201,076,929, G>A on the plus strand (C>T on the coding strand, the complement: CACNA1S is on the minus strand). VCF-style: chr1-201076929-G-A. GRCh37 (hg19) VCF-style: chr1-201046057-G-A.
Identifiers: ClinVar variation 1665847 (VCV001665847.12), dbSNP rs34025878, ClinGen allele CA35977416.